The following is an entry in ClinVar:

NM_001042492.3(NF1):c.4851A>G (p.Gln1617=)

Gene: NF1 (neurofibromin 1; plus strand). Cytogenetic location: 17q11.2.
Variant type: single nucleotide variant.
Coding change: c.4851A>G on transcript NM_001042492.3 (MANE Select); coding-DNA position 4851, A replaced by G.
Protein change: p.Gln1617=; no amino-acid change (glutamine 1617 retained).
Molecular consequence: synonymous variant.
Genome position (GRCh38, 1-based): chr17:31,325,835, A>G. VCF-style: chr17-31325835-A-G. GRCh37 (hg19) VCF-style: chr17-29652853-A-G.
Other names: c.4788A>G, p.Gln1596= (NM_000267.4).
Identifiers: ClinVar variation 184492 (VCV000184492.27), dbSNP rs150309802, ClinGen allele CA189114.
Genomic context (GRCh38, chr17:31,325,835, plus strand): 5'-TTAAACACTGCTAATAATCTTTGTCTTTTTTGTCATTTTCCTTAGGTTCAAAACTGGTCA[A>G]ATCAATGGTGATTTGCTGATATACCATGTCTTACTGACTTTAAAGCCATATTATGCAAAG-3'
Protein context (NP_001035957.1, residues 1607-1627): YYVARRFKTG[Gln1617=]INGDLLIYHV

ClinVar aggregate classification (germline): Benign/Likely benign. Review status: criteria provided, multiple submitters, no conflicts (2 of 4 stars). 15 submissions from 12 submitters: Benign (4); Likely benign (10). 1 of the submissions does not count toward it. Last evaluated 2026-05-20.

Conditions:
NF1-related disorder. Also called: NF1-related condition. Identifiers: MedGen CN379171.
Hereditary cancer-predisposing syndrome. Also called: Tumor predisposition; Neoplastic Syndromes, Hereditary; Hereditary Cancer Syndrome; Hereditary neoplastic syndrome. Identifiers: Orphanet 140162, MedGen C0027672, MeSH D009386, MONDO:0015356.
Neurofibromatosis, familial spinal (FSNF). Identifiers: Orphanet 636, MedGen C1834235, MONDO:0008078, OMIM 162210. Disease mechanism: loss of function.
Café-au-lait macules with pulmonary stenosis (WTSN). Also called: PULMONIC STENOSIS WITH CAFE-AU-LAIT SPOTS. Identifiers: MedGen C0553586, MONDO:0008672, OMIM 193520.
Neurofibromatosis, type 1 (NF1). Also called: Peripheral type neurofibromatosis; Neurofibromatosis, type I; NEUROFIBROMATOSIS, TYPE I, SOMATIC; VON RECKLINGHAUSEN DISEASE. Identifiers: Orphanet 636, MedGen C0027831, MONDO:0018975, OMIM 162200. Disease mechanism: loss of function.
Neurofibromatosis-Noonan syndrome (NFNS). Also called: NEUROFIBROMATOSIS WITH NOONAN PHENOTYPE. Identifiers: Orphanet 638, MedGen C2931482, MONDO:0011035, OMIM 601321. Disease mechanism: loss of function.

Allele frequency attached by ClinVar (database versions not stated): gnomAD exomes 0.00008 and 0.00004; ExAC 0.00010; 1000 Genomes Project 30x 0.00016; 1000 Genomes Project 0.00020; ESP Exome Variant Server 0.00023; gnomAD 0.00031 and 0.00032; TOPMed 0.00033.
gnomAD v4.1: 130 of 1,614,154 alleles (0.0081%); highest among the groups gnomAD compares: African/African-American, 0.11%; no homozygotes.

Submissions (15):

Myriad Genetics, Inc.
Classification: Benign for Neurofibromatosis, type 1. Last evaluated: 2026-05-20. Review status: criteria provided, single submitter. Criteria: Myriad Autosomal Dominant, Autosomal Recessive and X-Linked Classification Criteria (2023). Collection method: clinical testing. Allele origin: unknown.
Comment: This variant is considered benign. This variant is a silent/synonymous amino acid change and it is not expected to impact splicing.

Labcorp Genetics (formerly Invitae), Labcorp
Classification: Benign for Neurofibromatosis, type 1. Last evaluated: 2026-02-03. Review status: criteria provided, single submitter. Criteria: Invitae Variant Classification Sherloc (09022015). Collection method: clinical testing. Allele origin: germline.

CeGaT Center for Human Genetics Tuebingen
Classification: Likely benign. Last evaluated: 2026-01-01. Review status: criteria provided, single submitter. Criteria: CeGaT Center For Human Genetics Tuebingen Variant Classification Criteria Version 2. Collection method: clinical testing. Allele origin: germline. Affected: yes. Observed: 1 variant allele.
Comment: NF1: BP4, BP7

Blueprint Genetics
Classification: Likely benign. Last evaluated: 2024-11-14. Review status: criteria provided, single submitter. Criteria: ACMG Guidelines, 2015. Collection method: clinical testing. Allele origin: germline.

Institute for Biomarker Research, Medical Diagnostic Laboratories, L.L.C.
Classification: Benign for Hereditary cancer-predisposing syndrome. Last evaluated: 2024-10-22. Review status: criteria provided, single submitter. Criteria: ACMG Guidelines, 2015. Collection method: clinical testing. Allele origin: germline.
Comment: The synonymous variant NM_000267.3(NF1):c.4788A>G (p.Gln1596=) has been reported to ClinVar as Benign/Likely benign with a status of (2 stars) criteria provided, multiple submitters, no conflicts (Variation ID 184492 as of 2024-10-03). The variant is observed in one or more well-documented healthy adults. The p.Gln1596= variant is observed in 12/16,252 (0.0738%) alleles from individuals of gnomAD African background in gnomAD, which is greater than expected for the disorder. The p.Gln1596= variant is not predicted to disrupt the existing acceptor splice site 16bp upstream by any splice site algorithm. The p.Gln1596= variant is predicted to introduce a novel splice site by 1 of 4 splice site algorithms. The p.Gln1596= variant results in a substitution of a base that is not predicted conserved by GERP++ and PhyloP. For these reasons, this variant has been classified as Benign.

Genome-Nilou Lab
Classification: Likely benign for Neurofibromatosis, type 1. Last evaluated: 2022-03-15. Review status: criteria provided, single submitter. Criteria: ACMG Guidelines, 2015. Collection method: clinical testing. Allele origin: germline. Affected: no.

Women's Health and Genetics/Laboratory Corporation of America, LabCorp
Classification: Likely benign. Last evaluated: 2021-10-23. Review status: criteria provided, single submitter. Criteria: LabCorp Variant Classification Summary - May 2015. Collection method: clinical testing. Allele origin: germline.

Sema4
Classification: Likely benign for Hereditary cancer-predisposing syndrome. Last evaluated: 2021-10-19. Review status: criteria provided, single submitter. Criteria: Sema4 Curation Guidelines. Collection method: curation. Allele origin: germline.

GeneDx
Classification: Likely benign. Last evaluated: 2021-09-03. Review status: criteria provided, single submitter. Criteria: GeneDx Variant Classification Process June 2021. Collection method: clinical testing. Allele origin: germline. Affected: yes.

Illumina Laboratory Services, Illumina
Classification: Likely benign for Café-au-lait macules with pulmonary stenosis. Last evaluated: 2018-01-13. Review status: criteria provided, single submitter. Criteria: ICSL Variant Classification Criteria 13 December 2019. Collection method: clinical testing. Allele origin: germline.
Comment: This variant was observed in the ICSL laboratory as part of a predisposition screen in an ostensibly healthy population. It had not been previously curated by ICSL or reported in the Human Gene Mutation Database (HGMD: prior to June 1st, 2018), and was therefore a candidate for classification through an automated scoring system. Utilizing variant allele frequency, disease prevalence and penetrance estimates, and inheritance mode, an automated score was calculated to assess if this variant is too frequent to cause the disease. Based on the score and internal cut-off values, a variant classified as likely benign is not then subjected to further curation. The score for this variant resulted in a classification of likely benign for this disease.

Illumina Laboratory Services, Illumina
Classification: Likely benign for Neurofibromatosis, type 1. Last evaluated: 2018-01-13. Review status: criteria provided, single submitter. Criteria: ICSL Variant Classification Criteria 13 December 2019. Collection method: clinical testing. Allele origin: germline.
Comment: the same text as in the submission from Illumina Laboratory Services, Illumina above.

Illumina Laboratory Services, Illumina
Classification: Likely benign for Neurofibromatosis, familial spinal. Last evaluated: 2018-01-13. Review status: criteria provided, single submitter. Criteria: ICSL Variant Classification Criteria 13 December 2019. Collection method: clinical testing. Allele origin: germline.
Comment: the same text as in the submission from Illumina Laboratory Services, Illumina above.

Illumina Laboratory Services, Illumina
Classification: Benign for Neurofibromatosis-Noonan syndrome. Last evaluated: 2018-01-13. Review status: criteria provided, single submitter. Criteria: ICSL Variant Classification Criteria 13 December 2019. Collection method: clinical testing. Allele origin: germline.
Comment: This variant was observed in the ICSL laboratory as part of a predisposition screen in an ostensibly healthy population. It had not been previously curated by ICSL or reported in the Human Gene Mutation Database (HGMD: prior to June 1st, 2018), and was therefore a candidate for classification through an automated scoring system. Utilizing variant allele frequency, disease prevalence and penetrance estimates, and inheritance mode, an automated score was calculated to assess if this variant is too frequent to cause the disease. Based on the score and internal cut-off values, a variant classified as benign is not then subjected to further curation. The score for this variant resulted in a classification of benign for this disease.

Ambry Genetics
Classification: Likely benign for Hereditary cancer-predisposing syndrome. Last evaluated: 2014-11-06. Review status: criteria provided, single submitter. Criteria: Ambry Autosomal Dominant and X-Linked criteria (10/2015). Collection method: clinical testing. Allele origin: germline. Observed: 1 variant allele.

PreventionGenetics, part of Exact Sciences
Classification: Likely benign for NF1-related condition. Last evaluated: 2021-08-18. Review status: no assertion criteria provided. Collection method: clinical testing. Allele origin: germline. Not counted in ClinVar's aggregate classification.
Comment: This variant is classified as likely benign based on ACMG/AMP sequence variant interpretation guidelines (Richards et al. 2015 PMID: 25741868, with internal and published modifications).

Literature cited by the submitters: PubMed 10678181 (cited by Women's Health and Genetics/Laboratory Corporation of America, LabCorp); PubMed 23460398 (cited by Women's Health and Genetics/Laboratory Corporation of America, LabCorp); PubMed 29872168 (cited by Women's Health and Genetics/Laboratory Corporation of America, LabCorp); PubMed 27069254 (cited by Women's Health and Genetics/Laboratory Corporation of America, LabCorp).